The following is an entry in ClinVar:

NM_020631.6(PLEKHG5):c.210+20C>T

Gene: PLEKHG5 (pleckstrin homology and RhoGEF domain containing G5; minus strand). Cytogenetic location: 1p36.31.
Variant type: single nucleotide variant.
Coding change: c.210+20C>T on transcript NM_020631.6 (MANE Select); 20 bases into the intron after coding-DNA position 210, C replaced by T.
Molecular consequence: intron variant.
Genome position (GRCh38, 1-based): chr1:6,475,442, G>A on the plus strand (C>T on the coding strand, the complement: PLEKHG5 is on the minus strand). VCF-style: chr1-6475442-G-A. GRCh37 (hg19) VCF-style: chr1-6535502-G-A.
Other names: c.210+20C>T (NM_198681.4, NM_001265594.3, NM_001042664.2 and 1 more transcripts); c.321+20C>T (NM_001042663.3, NM_001265592.2); c.417+20C>T (NM_001265593.2).
Identifiers: ClinVar variation 386753 (VCV000386753.9), dbSNP rs777308688, ClinGen allele CA561951.

ClinVar aggregate classification (germline): Likely benign. Review status: criteria provided, multiple submitters, no conflicts (2 of 4 stars). 2 submissions from 2 submitters: Likely benign (2). Last evaluated 2025-12-24.

Conditions:
Neuronopathy, distal hereditary motor, autosomal recessive 4. Also called: NEUROPATHY, DISTAL HEREDITARY MOTOR, AUTOSOMAL RECESSIVE 4; Autosomal recessive lower motor neuron disease with childhood onset. Identifiers: Orphanet 206580, MedGen C1970211, MONDO:0012608, OMIM 611067.
Charcot-Marie-Tooth disease recessive intermediate C. Also called: CHARCOT-MARIE-TOOTH NEUROPATHY, RECESSIVE INTERMEDIATE C. Identifiers: Orphanet 369867, MedGen C3809309, MONDO:0014154, OMIM 615376.

Allele frequency attached by ClinVar (database versions not stated): gnomAD 0.00001; ExAC 0.00004; TOPMed 0.00005; gnomAD exomes 0.00006.
gnomAD v4.1: 22 of 1,611,042 alleles (0.0014%); highest among the groups gnomAD compares: Admixed American, 0.03%; no homozygotes.

Submissions (2):

Labcorp Genetics (formerly Invitae), Labcorp
Classification: Likely benign for Neuronopathy, distal hereditary motor, autosomal recessive 4; Charcot-Marie-Tooth disease recessive intermediate C. Last evaluated: 2025-12-24. Review status: criteria provided, single submitter. Criteria: Invitae Variant Classification Sherloc (09022015). Collection method: clinical testing. Allele origin: germline.

GeneDx
Classification: Likely benign. Last evaluated: 2016-06-22. Review status: criteria provided, single submitter. Criteria: GeneDx Variant Classification (06012015). Collection method: clinical testing. Allele origin: germline. Affected: yes.
Comment: This variant is considered likely benign or benign based on one or more of the following criteria: it is a conservative change, it occurs at a poorly conserved position in the protein, it is predicted to be benign by multiple in silico algorithms, and/or has population frequency not consistent with disease.